The following is an entry in ClinVar:

NM_016107.5(ZFR):c.3114G>A (p.Met1038Ile)

Gene: ZFR (zinc finger RNA binding protein; minus strand). Cytogenetic location: 5p13.3.
Variant type: single nucleotide variant.
Coding change: c.3114G>A on transcript NM_016107.5 (MANE Select); coding-DNA position 3114, G replaced by A.
Protein change: p.Met1038Ile; replaces methionine 1038 with isoleucine.
Molecular consequence: missense variant. On other transcripts: non-coding transcript variant (1).
Genome position (GRCh38, 1-based): chr5:32,355,871, C>T on the plus strand (G>A on the coding strand, the complement: ZFR is on the minus strand). VCF-style: chr5-32355871-C-T. GRCh37 (hg19) VCF-style: chr5-32355977-C-T.
Other names: c.3114G>A (NM_016107.3); short protein forms M1038I.
Identifiers: ClinVar variation 1523151 (VCV001523151.9), dbSNP rs749025883, ClinGen allele CA3221430.

ClinVar aggregate classification (germline): Uncertain significance. Review status: criteria provided, multiple submitters, no conflicts (2 of 4 stars). 2 submissions from 2 submitters: Uncertain significance (2). Last evaluated 2024-12-23.

Conditions:
Pure or complex autosomal recessive spastic paraplegia. Identifiers: Orphanet 320346, MedGen C5679887, MONDO:0017915.

Allele frequency attached by ClinVar (database versions not stated): ExAC 0.00001; gnomAD exomes 0.00001 and 0.00002; gnomAD 0.00003; TOPMed 0.00003.

Submissions (2):

Labcorp Genetics (formerly Invitae), Labcorp
Classification: Uncertain significance for Pure or complex autosomal recessive spastic paraplegia. Last evaluated: 2024-12-23. Review status: criteria provided, single submitter. Criteria: Invitae Variant Classification Sherloc (09022015). Collection method: clinical testing. Allele origin: germline.
Comment: This sequence change replaces methionine, which is neutral and non-polar, with isoleucine, which is neutral and non-polar, at codon 1038 of the ZFR protein (p.Met1038Ile). This variant is present in population databases (rs749025883, gnomAD 0.004%). This variant has not been reported in the literature in individuals affected with ZFR-related conditions. ClinVar contains an entry for this variant (Variation ID: 1523151). Experimental studies and prediction algorithms are not available or were not evaluated, and the functional significance of this variant is currently unknown. In summary, the available evidence is currently insufficient to determine the role of this variant in disease. Therefore, it has been classified as a Variant of Uncertain Significance.

Ambry Genetics
Classification: Uncertain significance. Last evaluated: 2023-09-20. Review status: criteria provided, single submitter. Criteria: Ambry Variant Classification Scheme 2023. Collection method: clinical testing. Allele origin: germline.